The following is an entry in ClinVar:

ClinVar aggregate classification (germline): Likely benign. Review status: criteria provided, multiple submitters, no conflicts (2 of 4 stars). 3 submissions from 3 submitters: Likely benign (3). Last evaluated 2023-11-30.

Conditions:
Familial thoracic aortic aneurysm and aortic dissection (TAAD). Also called: Thoracic aortic aneurysms and dissections. Identifiers: Orphanet 91387, MedGen C4707243, MONDO:0019625.
Aneurysm-osteoarthritis syndrome. Also called: Loeys-Dietz syndrome, type 1C; LOEYS-DIETZ SYNDROME WITH OSTEOARTHRITIS; SMAD3-Related Loeys-Dietz Syndrome; ANEURYSMS-OSTEOARTHRITIS SYNDROME. Identifiers: Orphanet 284984, MedGen C3151087, MONDO:0013426, OMIM 613795.

Submissions (3):

All of Us Research Program, National Institutes of Health
Classification: Likely benign for Aneurysm-osteoarthritis syndrome. Last evaluated: 2023-11-30. Review status: criteria provided, single submitter. Criteria: ACMG Guidelines, 2015. Collection method: clinical testing. Allele origin: germline. Inheritance: Autosomal dominant inheritance. Observed: 1 variant allele, 1 heterozygote.
Comment: This study involves interpretation of variants in research participants for the purpose of population health screening. Participant phenotype was not available at the time of variant classification. Additional details can be found in publication PMID: 35346344, PMCID: PMC8962531

Labcorp Genetics (formerly Invitae), Labcorp
Classification: Likely benign for Familial thoracic aortic aneurysm and aortic dissection. Last evaluated: 2022-05-22. Review status: criteria provided, single submitter. Criteria: Invitae Variant Classification Sherloc (09022015). Collection method: clinical testing. Allele origin: germline.

Color Diagnostics, LLC DBA Color Health
Classification: Likely benign for Familial thoracic aortic aneurysm and aortic dissection. Last evaluated: 2019-10-14. Review status: criteria provided, single submitter. Criteria: ACMG Guidelines, 2015. Collection method: clinical testing. Allele origin: germline.

NM_005902.4(SMAD3):c.762C>A (p.Ser254=)

Gene: SMAD3 (SMAD family member 3; plus strand). Cytogenetic location: 15q22.33.
Variant type: single nucleotide variant.
Coding change: c.762C>A on transcript NM_005902.4 (MANE Select); coding-DNA position 762, C replaced by A.
Protein change: p.Ser254=; no amino-acid change (serine 254 retained).
Molecular consequence: synonymous variant.
Genome position (GRCh38, 1-based): chr15:67,181,344, C>A. VCF-style: chr15-67181344-C-A. GRCh37 (hg19) VCF-style: chr15-67473682-C-A.
Other names: c.447C>A, p.Ser149= (NM_001145102.2); c.630C>A, p.Ser210= (NM_001145103.2); c.177C>A, p.Ser59= (NM_001145104.2).
Identifiers: ClinVar variation 925859 (VCV000925859.7), dbSNP rs1963049270, ClinGen allele CA490915244.